The following is an entry in ClinVar:

ClinVar aggregate classification (germline): Uncertain significance (1 of 4 stars; one submission).

Conditions:
Atypical hemolytic-uremic syndrome. Identifiers: Orphanet 2134, MedGen C2931788, MONDO:0016244.

Submission:

Genomenon, Inc
Classification: Uncertain significance for Atypical hemolytic-uremic syndrome. Last evaluated: 2025-10-02. Review status: criteria provided, single submitter. Criteria: Genomenon Sequence Variant Interpretation Standards. Collection method: curation. Allele origin: germline. Affected: yes.
Comment: CD46 p.Tyr248Cys (c.743A>G) is a missense variant that changes the amino acid at residue 248 from Tyrosine to Cysteine. This variant has been observed in at least one proband affected with atypical hemolytic-uremic syndrome (PMID:24799305). It is absent or not present at a significant frequency in gnomAD. In conclusion, we classify CD46 p.Tyr248Cys (c.743A>G) as a variant of uncertain significance.

Literature cited by the submitters: PubMed 24799305.

NM_172351.3(CD46):c.743A>G (p.Tyr248Cys)

Gene: CD46 (CD46 molecule; plus strand). Cytogenetic location: 1q32.2.
Variant type: single nucleotide variant.
Coding change: c.743A>G on transcript NM_172351.3 (MANE Select); coding-DNA position 743, A replaced by G.
Protein change: p.Tyr248Cys; replaces tyrosine 248 with cysteine.
Molecular consequence: missense variant.
Genome position (GRCh38, 1-based): chr1:207,767,082, A>G. VCF-style: chr1-207767082-A-G. GRCh37 (hg19) VCF-style: chr1-207940427-A-G.
Other names: c.743A>G, p.Tyr248Cys (NM_002389.4, NM_153826.4, NM_172350.3 and 8 more transcripts); short protein forms Y248C.
Identifiers: ClinVar variation 4291180 (VCV004291180.1).